The following is an entry in ClinVar:

ClinVar aggregate classification (germline): Uncertain significance (1 of 4 stars; one submission).

Submission:

Labcorp Genetics (formerly Invitae), Labcorp
Classification: Uncertain significance. Last evaluated: 2021-08-31. Review status: criteria provided, single submitter. Criteria: Invitae Variant Classification Sherloc (09022015). Collection method: clinical testing. Allele origin: germline.
Comment: This sequence change replaces threonine with alanine at codon 4451 of the USH2A protein (p.Thr4451Ala). The threonine residue is weakly conserved and there is a small physicochemical difference between threonine and alanine. This variant is not present in population databases (ExAC no frequency). This variant has not been reported in the literature in individuals affected with USH2A-related conditions. Algorithms developed to predict the effect of missense changes on protein structure and function (SIFT, PolyPhen-2, Align-GVGD) all suggest that this variant is likely to be tolerated. In summary, the available evidence is currently insufficient to determine the role of this variant in disease. Therefore, it has been classified as a Variant of Uncertain Significance.

NM_206933.4(USH2A):c.13351A>G (p.Thr4451Ala)

Gene: USH2A (usherin; minus strand). Cytogenetic location: 1q41.
Variant type: single nucleotide variant.
Coding change: c.13351A>G on transcript NM_206933.4 (MANE Select); coding-DNA position 13351, A replaced by G.
Protein change: p.Thr4451Ala; replaces threonine 4451 with alanine.
Molecular consequence: missense variant.
Genome position (GRCh38, 1-based): chr1:215,674,560, T>C on the plus strand (A>G on the coding strand, the complement: USH2A is on the minus strand). VCF-style: chr1-215674560-T-C. GRCh37 (hg19) VCF-style: chr1-215847902-T-C.
Other names: short protein forms T4451A.
Identifiers: ClinVar variation 1053092 (VCV001053092.6), dbSNP rs1401165417, ClinGen allele CA344845598.